The following is an entry in ClinVar:

ClinVar aggregate classification (germline): Uncertain significance (1 of 4 stars; one submission).

gnomAD v4.1: 4 of 1,601,866 alleles (0.00025%); highest among the groups gnomAD compares: South Asian, 0.0011%; no homozygotes.

Submission:

Labcorp Genetics (formerly Invitae), Labcorp
Classification: Uncertain significance. Last evaluated: 2024-10-21. Review status: criteria provided, single submitter. Criteria: Invitae Variant Classification Sherloc (09022015). Collection method: clinical testing. Allele origin: germline.
Comment: This sequence change replaces arginine, which is basic and polar, with histidine, which is basic and polar, at codon 532 of the PLG protein (p.Arg532His). This variant is not present in population databases (gnomAD no frequency). This missense change has been observed in individual(s) with autosomal recessive plasminogen deficiency (PMID: 10233898). In at least one individual the data is consistent with being in trans (on the opposite chromosome) from a pathogenic variant. This variant is also known as p.Arg513His. Invitae Evidence Modeling of protein sequence and biophysical properties (such as structural, functional, and spatial information, amino acid conservation, physicochemical variation, residue mobility, and thermodynamic stability) indicates that this missense variant is not expected to disrupt PLG protein function with a negative predictive value of 80%. In summary, the available evidence is currently insufficient to determine the role of this variant in disease. Therefore, it has been classified as a Variant of Uncertain Significance.

Literature cited by the submitters: PubMed 10233898.

NM_000301.5(PLG):c.1595G>A (p.Arg532His)

Gene: PLG (plasminogen; plus strand). Cytogenetic location: 6q26.
Variant type: single nucleotide variant.
Coding change: c.1595G>A on transcript NM_000301.5 (MANE Select); coding-DNA position 1595, G replaced by A.
Protein change: p.Arg532His; replaces arginine 532 with histidine.
Molecular consequence: missense variant.
Genome position (GRCh38, 1-based): chr6:160,734,002, G>A. VCF-style: chr6-160734002-G-A. GRCh37 (hg19) VCF-style: chr6-161155034-G-A.
Other names: short protein forms R532H.
Identifiers: ClinVar variation 3720726 (VCV003720726.2).